The following is an entry in ClinVar:

NM_000049.4(ASPA):c.548C>T (p.Pro183Leu)

Genes: ASPA (aspartoacylase; plus strand), SPATA22 (spermatogenesis associated 22; minus strand). Cytogenetic location: 17p13.2.
Variant type: single nucleotide variant.
Coding change: c.548C>T on transcript NM_000049.4 (MANE Select); coding-DNA position 548, C replaced by T.
Protein change: p.Pro183Leu; replaces proline 183 with leucine.
Molecular consequence: missense variant. On other transcripts: intron variant (2).
Genome position (GRCh38, 1-based): chr17:3,489,256, C>T. VCF-style: chr17-3489256-C-T. GRCh37 (hg19) VCF-style: chr17-3392550-C-T.
Other names: c.548C>T, p.Pro183Leu (NM_001128085.1); c.-73-19858G>A (NM_001321336.2, NM_001321337.2); short protein forms P183L.
Identifiers: ClinVar variation 1705409 (VCV001705409.5), dbSNP rs1555539857, ClinGen allele CA397684480.

ClinVar aggregate classification (germline): Likely pathogenic. Review status: criteria provided, multiple submitters, no conflicts (2 of 4 stars). 2 submissions from 2 submitters: Likely pathogenic (2). Last evaluated 2022-09-01.

Conditions:
Spongy degeneration of central nervous system. Also called: ACY2 DEFICIENCY; AMINOACYLASE 2 DEFICIENCY; ASP DEFICIENCY; ASPA DEFICIENCY; ASPARTOACYLASE DEFICIENCY; CANAVAN-VAN BOGAERT-BERTRAND DISEASE. Identifiers: Orphanet 141, MedGen C0206307, MONDO:0010079, OMIM 271900.

Allele frequency attached by ClinVar (database versions not stated): gnomAD exomes below 0.00001.
gnomAD v4.1: 1 of 1,612,482 alleles (0.000062%); highest among the groups gnomAD compares: Non-Finnish European, 0.000085%; no homozygotes.

Submissions (2):

3billion
Classification: Likely pathogenic for Spongy degeneration of central nervous system. Last evaluated: 2022-09-01. Review status: criteria provided, single submitter. Criteria: ACMG Guidelines, 2015. Collection method: clinical testing. Allele origin: germline. Affected: yes. Observed: 1 homozygote.
Comment: The variant is not observed in the gnomAD v2.1.1 dataset. In silico tool predictions suggest damaging effect of the variant on gene or gene product (REVEL: 0.87; 3Cnet: 0.78). Same nucleotide change resulting in same amino acid change has been previously reported to be associated with ASPA -related disorder (PMID: 27531131). A different missense change at the same codon (p.Pro183His) has been reported as pathogenic/likely pathogenic with strong evidence (ClinVar ID: VCV000554010). Therefore, this variant is classified as Likely pathogenic according to the recommendation of ACMG/AMP guideline.

Labcorp Genetics (formerly Invitae), Labcorp
Classification: Likely pathogenic for Spongy degeneration of central nervous system. Last evaluated: 2021-12-24. Review status: criteria provided, single submitter. Criteria: Invitae Variant Classification Sherloc (09022015). Collection method: clinical testing. Allele origin: germline.
Comment: In summary, the currently available evidence indicates that the variant is pathogenic, but additional data are needed to prove that conclusively. Therefore, this variant has been classified as Likely Pathogenic. This variant disrupts the p.Pro183 amino acid residue in ASPA. Other variant(s) that disrupt this residue have been determined to be pathogenic (PMID: 10407784, 26586007). This suggests that this residue is clinically significant, and that variants that disrupt this residue are likely to be disease-causing. Advanced modeling of protein sequence and biophysical properties (such as structural, functional, and spatial information, amino acid conservation, physicochemical variation, residue mobility, and thermodynamic stability) performed at Invitae indicates that this missense variant is expected to disrupt ASPA protein function. This missense change has been observed in individual(s) with Canavan disease (PMID: 27531131). This variant is not present in population databases (gnomAD no frequency). This sequence change replaces proline, which is neutral and non-polar, with leucine, which is neutral and non-polar, at codon 183 of the ASPA protein (p.Pro183Leu).

Literature cited by the submitters: PubMed 27531131 (cited by 3billion and Labcorp Genetics (formerly Invitae), Labcorp); PubMed 10407784 (cited by Labcorp Genetics (formerly Invitae), Labcorp); PubMed 26586007 (cited by Labcorp Genetics (formerly Invitae), Labcorp).